The following is an entry in ClinVar:

NM_052865.4(MGME1):c.484G>C (p.Glu162Gln)

Genes: MGME1 (mitochondrial genome maintenance exonuclease 1; plus strand), LOC126862983 (CDK7 strongly-dependent group 2 enhancer GRCh37_chr20:17950167-17951366; plus strand). Cytogenetic location: 20p11.23.
Variant type: single nucleotide variant.
Coding change: c.484G>C on transcript NM_052865.4 (MANE Select); coding-DNA position 484, G replaced by C.
Protein change: p.Glu162Gln; replaces glutamic acid 162 with glutamine.
Molecular consequence: missense variant. On other transcripts: intron variant (1).
Genome position (GRCh38, 1-based): chr20:17,970,343, G>C. VCF-style: chr20-17970343-G-C. GRCh37 (hg19) VCF-style: chr20-17950986-G-C.
Other names: c.484G>C, p.Glu162Gln (NM_001310338.2, NM_001310339.2); c.271+213G>C (NM_001363738.2); short protein forms E162Q.
Identifiers: ClinVar variation 3776649 (VCV003776649.1).

ClinVar aggregate classification (germline): Uncertain significance (1 of 4 stars; one submission).

gnomAD v4.1: 2 of 1,613,536 alleles (0.00012%); highest among the groups gnomAD compares: Non-Finnish European, 0.00017%; no homozygotes.

Submission:

GeneDx
Classification: Uncertain significance. Last evaluated: 2024-10-07. Review status: criteria provided, single submitter. Criteria: GeneDx Variant Classification Process June 2021. Collection method: clinical testing. Allele origin: germline. Affected: yes.
Comment: Not observed at significant frequency in large population cohorts (gnomAD); In silico analysis indicates that this missense variant does not alter protein structure/function; Has not been previously published as pathogenic or benign to our knowledge